The following is an entry in ClinVar:

ClinVar aggregate classification (germline): Likely pathogenic. Review status: criteria provided, multiple submitters, no conflicts (2 of 4 stars). 2 submissions from 2 submitters: Likely pathogenic (2). Last evaluated 2024-02-24.

Conditions:
Ellis-van Creveld syndrome (EVC). Also called: Chondroectodermal dysplasia; EVC-Related Ellis-van Creveld Syndrome; EVC2-Related Ellis-van Creveld Syndrome; MESOECTODERMAL DYSPLASIA. Identifiers: Orphanet 289, MedGen C0013903, MONDO:0009162, OMIM 225500.
Curry-Hall syndrome (WAD). Also called: WEYERS ACRODENTAL DYSOSTOSIS. Identifiers: Orphanet 952, MedGen C0457013, MONDO:0008673, OMIM 193530.

Allele frequency attached by ClinVar (database versions not stated): TOPMed below 0.00001; gnomAD 0.00001; gnomAD exomes 0.00001.
gnomAD v4.1: 13 of 1,614,014 alleles (0.00081%); highest among the groups gnomAD compares: Non-Finnish European, 0.0011%; no homozygotes.

Submissions (2):

Labcorp Genetics (formerly Invitae), Labcorp
Classification: Likely pathogenic for Curry-Hall syndrome; Ellis-van Creveld syndrome. Last evaluated: 2024-02-24. Review status: criteria provided, single submitter. Criteria: Invitae Variant Classification Sherloc (09022015). Collection method: clinical testing. Allele origin: germline.
Comment: This sequence change affects a donor splice site in intron 5 of the EVC2 gene. It is expected to disrupt RNA splicing. Variants that disrupt the donor or acceptor splice site typically lead to a loss of protein function (PMID: 16199547), and loss-of-function variants in EVC2 are known to be pathogenic (PMID: 17024374, 19810119, 19876929). This variant is not present in population databases (gnomAD no frequency). This variant has not been reported in the literature in individuals affected with EVC2-related conditions. ClinVar contains an entry for this variant (Variation ID: 1346642). Algorithms developed to predict the effect of sequence changes on RNA splicing suggest that this variant may disrupt the consensus splice site. In summary, the currently available evidence indicates that the variant is pathogenic, but additional data are needed to prove that conclusively. Therefore, this variant has been classified as Likely Pathogenic.

Fulgent Genetics
Classification: Likely pathogenic for Curry-Hall syndrome; Ellis-van Creveld syndrome. Last evaluated: 2022-03-07. Review status: criteria provided, single submitter. Criteria: ACMG Guidelines, 2015. Collection method: clinical testing. Allele origin: unknown.

Literature cited by the submitters: PubMed 16199547 (cited by Labcorp Genetics (formerly Invitae), Labcorp); PubMed 17024374 (cited by Labcorp Genetics (formerly Invitae), Labcorp); PubMed 19810119 (cited by Labcorp Genetics (formerly Invitae), Labcorp); PubMed 19876929 (cited by Labcorp Genetics (formerly Invitae), Labcorp).

NM_147127.5(EVC2):c.706+2T>C

Gene: EVC2 (EvC ciliary complex subunit 2; minus strand). Cytogenetic location: 4p16.2.
Variant type: single nucleotide variant.
Coding change: c.706+2T>C on transcript NM_147127.5 (MANE Select); the canonical splice donor site of the intron after coding-DNA position 706, T replaced by C.
Molecular consequence: splice donor variant.
Genome position (GRCh38, 1-based): chr4:5,689,155, A>G on the plus strand (T>C on the coding strand, the complement: EVC2 is on the minus strand). VCF-style: chr4-5689155-A-G. GRCh37 (hg19) VCF-style: chr4-5690882-A-G.
Other names: c.466+2T>C (NM_001166136.2).
Identifiers: ClinVar variation 1346642 (VCV001346642.10), dbSNP rs1360260333, ClinGen allele CA356148208.